The following is an entry in ClinVar:

ClinVar aggregate classification (germline): Conflicting classifications of pathogenicity. Review status: criteria provided, conflicting classifications (1 of 4 stars). 2 submissions from 2 submitters: Likely pathogenic (1); Uncertain significance (1). Last evaluated 2022-07-11.

Conditions:
Charcot-Marie-Tooth disease type 2. Also called: Charcot-Marie-Tooth type 2. Identifiers: Orphanet 64746, MedGen C0270914, MONDO:0018993.
Emery-Dreifuss muscular dystrophy 2, autosomal dominant (EDMD2). Also called: MUSCULAR DYSTROPHY WITH EARLY CONTRACTURES AND CARDIOMYOPATHY, AUTOSOMAL DOMINANT; SCAPULOILIOPERONEAL ATROPHY WITH CARDIOPATHY; Benign scapuloperoneal muscular dystrophy with cardiomyopathy; LMNA-Related Emery-Dreifuss Muscular Dystrophy, Autosomal; HAUPTMANN-THANNHAUSER MUSCULAR DYSTROPHY; Limb-girdle muscular dystrophy, type 1B. Identifiers: Orphanet 261, Orphanet 264, MedGen C0410190, MONDO:0021569, OMIM 181350.

Submissions (2):

Labcorp Genetics (formerly Invitae), Labcorp
Classification: Uncertain significance for Charcot-Marie-Tooth disease type 2. Last evaluated: 2022-07-11. Review status: criteria provided, single submitter. Criteria: Invitae Variant Classification Sherloc (09022015). Collection method: clinical testing. Allele origin: germline.
Comment: Algorithms developed to predict the effect of missense changes on protein structure and function are either unavailable or do not agree on the potential impact of this missense change (SIFT: "Deleterious"; PolyPhen-2: "Benign"; Align-GVGD: "Class C25"). In summary, the available evidence is currently insufficient to determine the role of this variant in disease. Therefore, it has been classified as a Variant of Uncertain Significance. ClinVar contains an entry for this variant (Variation ID: 858277). This variant has not been reported in the literature in individuals affected with LMNA-related conditions. This variant is not present in population databases (gnomAD no frequency). This sequence change replaces leucine, which is neutral and non-polar, with valine, which is neutral and non-polar, at codon 137 of the LMNA protein (p.Leu137Val).

Institute of Human Genetics, University of Leipzig Medical Center
Classification: Likely pathogenic for Emery-Dreifuss muscular dystrophy 2, autosomal dominant. Last evaluated: 2017-03-29. Review status: criteria provided, single submitter. Criteria: ACMG Guidelines, 2015. Collection method: clinical testing. Allele origin: germline. Affected: yes. Observed: 1 variant allele.

NM_170707.4(LMNA):c.409C>G (p.Leu137Val)

Genes: LMNA (lamin A/C; plus strand), LOC126805877 (MED14-independent group 3 enhancer GRCh37_chr1:156099693-156100892; plus strand). Cytogenetic location: 1q22.
Variant type: single nucleotide variant.
Coding change: c.409C>G on transcript NM_170707.4 (MANE Select); coding-DNA position 409, C replaced by G.
Protein change: p.Leu137Val; replaces leucine 137 with valine.
Molecular consequence: missense variant.
Genome position (GRCh38, 1-based): chr1:156,130,669, C>G. VCF-style: chr1-156130669-C-G. GRCh37 (hg19) VCF-style: chr1-156100460-C-G.
Other names: c.73C>G, p.Leu25Val (NM_001257374.3); c.166C>G, p.Leu56Val (NM_001282624.2); c.409C>G, p.Leu137Val (NM_001282625.2, NM_001282626.2, NM_005572.4 and 1 more transcripts); short protein forms L25V, L137V, L56V.
Identifiers: ClinVar variation 858277 (VCV000858277.11), dbSNP rs747998566, ClinGen allele CA342815251.